The following is an entry in ClinVar:

ClinVar aggregate classification (germline): Uncertain significance (1 of 4 stars; one submission).

Submission:

GeneDx
Classification: Uncertain significance. Last evaluated: 2023-06-01. Review status: criteria provided, single submitter. Criteria: GeneDx Variant Classification Process June 2021. Collection method: clinical testing. Allele origin: germline. Affected: yes.
Comment: Not observed at significant frequency in large population cohorts (gnomAD); In silico analysis supports that this missense variant does not alter protein structure/function; Has not been previously published as pathogenic or benign to our knowledge

NM_014991.6(WDFY3):c.6037G>T (p.Val2013Leu)

Gene: WDFY3 (WD repeat and FYVE domain containing 3; minus strand). Cytogenetic location: 4q21.23.
Variant type: single nucleotide variant.
Coding change: c.6037G>T on transcript NM_014991.6 (MANE Select); coding-DNA position 6037, G replaced by T.
Protein change: p.Val2013Leu; replaces valine 2013 with leucine.
Molecular consequence: missense variant.
Genome position (GRCh38, 1-based): chr4:84,743,736, C>A on the plus strand (G>T on the coding strand, the complement: WDFY3 is on the minus strand). VCF-style: chr4-84743736-C-A. GRCh37 (hg19) VCF-style: chr4-85664889-C-A.
Other names: short protein forms V2013L.
Identifiers: ClinVar variation 3362183 (VCV003362183.1).